The following is an entry in ClinVar:

ClinVar aggregate classification (germline): Uncertain significance. Review status: criteria provided, multiple submitters, no conflicts (2 of 4 stars). 2 submissions from 2 submitters: Uncertain significance (2). Last evaluated 2025-11-01.

Submissions (2):

Labcorp Genetics (formerly Invitae), Labcorp
Classification: Uncertain significance. Last evaluated: 2025-11-01. Review status: criteria provided, single submitter. Criteria: Invitae Variant Classification Sherloc (09022015). Collection method: clinical testing. Allele origin: germline.
Comment: This variant, c.3156_3158del, results in the deletion of 1 amino acid(s) of the CACNA2D4 protein (p.Leu1053del), but otherwise preserves the integrity of the reading frame. This variant is present in population databases (no rsID available, gnomAD 0.0009%). This variant has not been reported in the literature in individuals affected with CACNA2D4-related conditions. ClinVar contains an entry for this variant (Variation ID: 838964). Experimental studies and prediction algorithms are not available or were not evaluated, and the functional significance of this variant is currently unknown. In summary, the available evidence is currently insufficient to determine the role of this variant in disease. Therefore, it has been classified as a Variant of Uncertain Significance.

Blueprint Genetics
Classification: Uncertain significance. Last evaluated: 2024-01-17. Review status: criteria provided, single submitter. Criteria: ACMG Guidelines, 2015. Collection method: clinical testing. Allele origin: germline.

NM_172364.5(CACNA2D4):c.3147CCT[3] (p.Leu1053del)

Gene: CACNA2D4 (calcium voltage-gated channel auxiliary subunit alpha2delta 4; minus strand). Cytogenetic location: 12p13.33.
Variant type: Microsatellite.
Coding change: c.3147CCT[3] on transcript NM_172364.5 (MANE Select); three copies in a row of the 3-base unit CCT starting at c.3147; the reference has four copies in a row; one copy, 3 bases deleted.
Protein change: p.Leu1053del; deletes leucine 1053.
Molecular consequence: inframe deletion.
Genome position (GRCh38, 1-based): chr12:1,795,736-1,795,738, AGG deleted on the plus strand (CCT on the coding strand, the reverse complement: CACNA2D4 is on the minus strand); deleting any 3 consecutive bases within chr12:1,795,736-1,795,747 gives the same sequence; the position shown is the placement nearest the transcript's 3' end. VCF-style (leftmost placement, unchanged base first): chr12-1795735-CAGG-C. GRCh37 (hg19) VCF-style: chr12-1904901-CAGG-C.
Other names: short protein forms L1053del.
Identifiers: ClinVar variation 838964 (VCV000838964.12), dbSNP rs528359746, ClinGen allele CA603038496.